The following is an entry in ClinVar:

ClinVar aggregate classification (germline): Uncertain significance (1 of 4 stars; one submission).

Conditions:
Familial dysautonomia. Also called: FD; HSAN III. Identifiers: Orphanet 1764, MedGen C0013364, MONDO:0009131, OMIM 223900. Disease mechanism: loss of function.

Submission:

Myriad Genetics, Inc.
Classification: Uncertain significance for Familial dysautonomia. Last evaluated: 2025-12-17. Review status: criteria provided, single submitter. Criteria: Myriad Autosomal Dominant, Autosomal Recessive and X-Linked Classification Criteria (2023). Collection method: clinical testing. Allele origin: unknown.
Comment: NM_003640.3(ELP1):c.3732_3734delTCT(L1245del) is an in-frame deletion classified as a variant of uncertain significance in the context of familial dysautonomia. L1245del has not been observed in cases with relevant disease. Relevant functional assessments of this variant are not available in the literature. L1245del has not been observed in referenced population frequency databases. In summary, there is insufficient evidence to classify NM_003640.3(ELP1):c.3732_3734delTCT(L1245del) as pathogenic or benign. Please note: this variant was assessed in the context of healthy population screening.

NM_003640.5(ELP1):c.3732_3734del (p.Leu1245del)

Gene: ELP1 (elongator acetyltransferase complex subunit 1; minus strand). Cytogenetic location: 9q31.3.
Variant type: Deletion.
Coding change: c.3732_3734del on transcript NM_003640.5 (MANE Select); coding-DNA positions 3732 to 3734, 3 bases deleted (TCT; older notation c.3732_3734delTCT).
Protein change: p.Leu1245del; deletes leucine 1245.
Molecular consequence: inframe deletion.
Genome position (GRCh38, 1-based): chr9:108,878,116-108,878,118, AGA deleted on the plus strand (TCT on the coding strand, the reverse complement: ELP1 is on the minus strand); deleting any 3 consecutive bases within chr9:108,878,116-108,878,119 gives the same sequence; the c. name uses the placement nearest the transcript's 3' end. VCF-style (leftmost placement, unchanged base first): chr9-108878115-GAGA-G. GRCh37 (hg19) VCF-style: chr9-111640395-GAGA-G.
Other names: c.3390_3392del, p.Leu1131del (NM_001318360.2); c.2685_2687del, p.Leu896del (NM_001330749.2); short protein forms L1131del, L896del, L1245del.
Identifiers: ClinVar variation 5004333 (VCV005004333.1).